The following is an entry in ClinVar:

NM_000363.5(TNNI3):c.391A>G (p.Lys131Glu)

Gene: TNNI3 (troponin I3, cardiac type; minus strand). Cytogenetic location: 19q13.42.
Variant type: single nucleotide variant.
Coding change: c.391A>G on transcript NM_000363.5 (MANE Select); coding-DNA position 391, A replaced by G.
Protein change: p.Lys131Glu; replaces lysine 131 with glutamic acid.
Molecular consequence: missense variant.
Genome position (GRCh38, 1-based): chr19:55,154,188, T>C on the plus strand (A>G on the coding strand, the complement: TNNI3 is on the minus strand). VCF-style: chr19-55154188-T-C. GRCh37 (hg19) VCF-style: chr19-55665556-T-C.
Other names: c.391A>G (LRG_432t1); short protein forms K131E.
Identifiers: ClinVar variation 654164 (VCV000654164.8), dbSNP rs1599909289, ClinGen allele CA407440748.

ClinVar aggregate classification (germline): Uncertain significance (1 of 4 stars; one submission).

Conditions:
Hypertrophic cardiomyopathy. Also called: HYPERTROPHIC MYOCARDIOPATHY. Identifiers: Orphanet 217569, MedGen C0007194, MeSH D002312, MONDO:0005045, HP:0001639.

Submission:

Labcorp Genetics (formerly Invitae), Labcorp
Classification: Uncertain significance for Hypertrophic cardiomyopathy. Last evaluated: 2018-12-20. Review status: criteria provided, single submitter. Criteria: Invitae Variant Classification Sherloc (09022015). Collection method: clinical testing. Allele origin: germline.
Comment: This sequence change replaces lysine with glutamic acid at codon 131 of the TNNI3 protein (p.Lys131Glu). The lysine residue is highly conserved and there is a small physicochemical difference between lysine and glutamic acid. This variant is not present in population databases (ExAC no frequency). This variant has not been reported in the literature in individuals with TNNI3-related conditions. Algorithms developed to predict the effect of missense changes on protein structure and function (SIFT, PolyPhen-2, Align-GVGD) all suggest that this variant is likely to be disruptive, but these predictions have not been confirmed by published functional studies and their clinical significance is uncertain. In summary, the available evidence is currently insufficient to determine the role of this variant in disease. Therefore, it has been classified as a Variant of Uncertain Significance.